The following is an entry in ClinVar:

ClinVar aggregate classification (germline): Pathogenic/Likely pathogenic. Review status: criteria provided, multiple submitters, no conflicts (2 of 4 stars). 3 submissions from 3 submitters: Pathogenic (2); Likely pathogenic (1). Last evaluated 2025-01-07.

Conditions:
Familial hypocalciuric hypercalcemia (FHH). Also called: Familial benign hypercalcemia. Identifiers: Orphanet 405, MedGen C1809471, MONDO:0018458.
Autosomal dominant hypocalcemia 1 (HYPOC1). Also called: HYPOCALCEMIA, FAMILIAL. Identifiers: MedGen C3715128, MONDO:0011013, OMIM 601198.

Submissions (3):

GeneDx
Classification: Likely pathogenic. Last evaluated: 2025-01-07. Review status: criteria provided, single submitter. Criteria: GeneDx Variant Classification Process June 2021. Collection method: clinical testing. Allele origin: germline. Affected: yes.
Comment: Published functional studies demonstrate a damaging effect on protein function (PMID: 27434672, 23966241); Not observed at significant frequency in large population cohorts (gnomAD); In silico analysis indicates that this missense variant does not alter protein structure/function; This variant is associated with the following publications: (PMID: 20034274, 26646938, 23966241, 27434672, 22422767, 32347971)

Mayo Clinic Laboratories, Mayo Clinic
Classification: Pathogenic. Last evaluated: 2023-09-05. Review status: criteria provided, single submitter. Criteria: ACMG Guidelines, 2015. Collection method: clinical testing. Allele origin: germline. Observed: 1 variant allele.
Comment: PP1, PP2, PM1, PM2, PS3_supporting, PS4_moderate

Labcorp Genetics (formerly Invitae), Labcorp
Classification: Pathogenic for Familial hypocalciuric hypercalcemia; Autosomal dominant hypocalcemia 1. Last evaluated: 2019-02-27. Review status: criteria provided, single submitter. Criteria: Invitae Variant Classification Sherloc (09022015). Collection method: clinical testing. Allele origin: germline.
Comment: This sequence change replaces arginine with glycine at codon 172 of the CASR protein (p.Arg172Gly). The arginine residue is highly conserved and there is a moderate physicochemical difference between arginine and glycine. This variant is not present in population databases (ExAC no frequency). This variant has been reported in several individuals with suspected hypocalciuric hypercalcemia (PMID: 23966241, 22422767) and has been reported to segregate with familial hypercalciuric hypercalcemia in several families (PMID: 20034274). ClinVar contains an entry for this variant (Variation ID: 379844). Experimental studies have shown that this missense change results in reduced ERK1/2 phosphorylation in response to extracellular calcium (PMID: 23966241) and structural models predict this variant resides in the CASR calcium binding site and may disrupt dimer formation (PMID: 27434672, 22422767). For these reasons, this variant has been classified as Pathogenic.

Literature cited by the submitters: PubMed 20034274 (cited by Mayo Clinic Laboratories, Mayo Clinic and Labcorp Genetics (formerly Invitae), Labcorp); PubMed 22422767 (cited by Mayo Clinic Laboratories, Mayo Clinic and Labcorp Genetics (formerly Invitae), Labcorp); PubMed 23966241 (cited by Mayo Clinic Laboratories, Mayo Clinic and Labcorp Genetics (formerly Invitae), Labcorp); PubMed 27434672 (cited by Mayo Clinic Laboratories, Mayo Clinic and Labcorp Genetics (formerly Invitae), Labcorp); PubMed 32347971 (cited by Mayo Clinic Laboratories, Mayo Clinic).

NM_000388.4(CASR):c.514A>G (p.Arg172Gly)

Gene: CASR (calcium sensing receptor; plus strand). Cytogenetic location: 3q21.1.
Variant type: single nucleotide variant.
Coding change: c.514A>G on transcript NM_000388.4 (MANE Select); coding-DNA position 514, A replaced by G.
Protein change: p.Arg172Gly; replaces arginine 172 with glycine.
Molecular consequence: missense variant.
Genome position (GRCh38, 1-based): chr3:122,261,549, A>G. VCF-style: chr3-122261549-A-G. GRCh37 (hg19) VCF-style: chr3-121980396-A-G.
Other names: p.Arg172Gly; c.514A>G, p.Arg172Gly (NM_001178065.2); short protein forms R172G.
Identifiers: ClinVar variation 379844 (VCV000379844.13), dbSNP rs201851934, ClinGen allele CA16604425.
Genomic context (GRCh38, chr3:122,261,549, plus strand): 5'-ACTCACTCACTCATTCACCATGTTCTTGGTTCTCTCCAGGTCAGTTATGCCTCCTCCAGC[A>G]GACTCCTCAGCAACAAGAATCAATTCAAGTCTTTCCTCCGAACCATCCCCAATGATGAGC-3'
Protein context (NP_000379.3, residues 162-182): IPQVSYASSS[Arg172Gly]LLSNKNQFKS